The following is an entry in ClinVar:

NM_000918.4(P4HB):c.685A>G (p.Ile229Val)

Gene: P4HB (prolyl 4-hydroxylase subunit beta; minus strand). Cytogenetic location: 17q25.3.
Variant type: single nucleotide variant.
Coding change: c.685A>G on transcript NM_000918.4 (MANE Select); coding-DNA position 685, A replaced by G.
Protein change: p.Ile229Val; replaces isoleucine 229 with valine.
Molecular consequence: missense variant.
Genome position (GRCh38, 1-based): chr17:81,847,287, T>C on the plus strand (A>G on the coding strand, the complement: P4HB is on the minus strand). VCF-style: chr17-81847287-T-C. GRCh37 (hg19) VCF-style: chr17-79805163-T-C.
Other names: short protein forms I229V.
Identifiers: ClinVar variation 3363814 (VCV003363814.1).

ClinVar aggregate classification (germline): Uncertain significance (1 of 4 stars; one submission).

gnomAD v4.1: 4 of 1,614,152 alleles (0.00025%); highest among the groups gnomAD compares: Admixed American, 0.005%; no homozygotes.

Submission:

GeneDx
Classification: Uncertain significance. Last evaluated: 2023-11-02. Review status: criteria provided, single submitter. Criteria: GeneDx Variant Classification Process June 2021. Collection method: clinical testing. Allele origin: germline. Affected: yes.
Comment: In silico analysis supports that this missense variant does not alter protein structure/function; Has not been previously published as pathogenic or benign to our knowledge